The following is an entry in ClinVar:

NM_006269.2(RP1):c.5105A>T (p.Asp1702Val)

Genes: RP1 (RP1 axonemal microtubule associated; plus strand), LOC126860392 (CDK7 strongly-dependent group 2 enhancer GRCh37_chr8:55541319-55542518; plus strand). Cytogenetic location: 8q12.1.
Variant type: single nucleotide variant.
Coding change: c.5105A>T on transcript NM_006269.2 (MANE Select); coding-DNA position 5105, A replaced by T.
Protein change: p.Asp1702Val; replaces aspartic acid 1702 with valine.
Molecular consequence: missense variant. On other transcripts: intron variant (1).
Genome position (GRCh38, 1-based): chr8:54,628,987, A>T. VCF-style: chr8-54628987-A-T. GRCh37 (hg19) VCF-style: chr8-55541547-A-T.
Other names: c.787+6699A>T (NM_001375654.1); c.5105A>T (NM_006269.1); short protein forms D1702V.
Identifiers: ClinVar variation 4900485 (VCV004900485.2).

ClinVar aggregate classification (germline): Uncertain significance. Review status: criteria provided, multiple submitters, no conflicts (2 of 4 stars). 2 submissions from 2 submitters: Uncertain significance (2). Last evaluated 2026-04-13.

Conditions:
RP1-related disorder. Also called: RP1-related condition.

Submissions (2):

PreventionGenetics, part of Exact Sciences
Classification: Uncertain significance for RP1-related condition. Last evaluated: 2026-04-13. Review status: criteria provided, single submitter. Criteria: ACMG Guidelines, 2015. Collection method: clinical testing. Allele origin: germline.
Comment: The RP1 c.5105A>T variant is predicted to result in the amino acid substitution p.Asp1702Val. To our knowledge, this variant has not been reported in the literature. This variant is present in 0.0054% of alleles in individuals of East Asian descent in gnomAD. At this time, the clinical significance of this variant is uncertain due to the absence of conclusive functional and genetic evidence.

Blueprint Genetics
Classification: Uncertain significance. Last evaluated: 2021-11-10. Review status: criteria provided, single submitter. Criteria: ACMG Guidelines, 2015. Collection method: clinical testing. Allele origin: germline.